The following is an entry in ClinVar:

NM_006231.4(POLE):c.1536del (p.Asn513fs)

Gene: POLE (DNA polymerase epsilon, catalytic subunit; minus strand). Cytogenetic location: 12q24.33.
Variant type: Deletion.
Coding change: c.1536del on transcript NM_006231.4 (MANE Select); coding-DNA position 1536, one base deleted (C; older notation c.1536delC).
Protein change: p.Asn513fs; shifts the reading frame from asparagine 513.
Molecular consequence: frameshift variant.
Genome position (GRCh38, 1-based): chr12:132,672,777, G deleted on the plus strand (C on the coding strand, the reverse complement: POLE is on the minus strand); the first of 2 consecutive G bases (chr12:132,672,777-132,672,778); deleting either gives the same sequence. VCF-style (leftmost placement, unchanged base first): chr12-132672776-TG-T. GRCh37 (hg19) VCF-style: chr12-133249362-TG-T.
Other names: short protein forms N513fs.
Identifiers: ClinVar variation 3935683 (VCV003935683.1).

ClinVar aggregate classification (germline): Uncertain significance (1 of 4 stars; one submission).

Conditions:
Hereditary cancer-predisposing syndrome. Also called: Tumor predisposition; Hereditary neoplastic syndrome; Hereditary Cancer Syndrome; Neoplastic Syndromes, Hereditary. Identifiers: Orphanet 140162, MedGen C0027672, MeSH D009386, MONDO:0015356.

Submission:

Ambry Genetics
Classification: Uncertain significance for Hereditary cancer-predisposing syndrome. Last evaluated: 2025-03-18. Review status: criteria provided, single submitter. Criteria: Ambry Variant Classification Scheme 2023. Collection method: clinical testing. Allele origin: germline.
Comment: The c.1536delC variant, located in coding exon 15 of the POLE gene, results from a deletion of one nucleotide at nucleotide position 1536, causing a translational frameshift with a predicted alternate stop codon (p.N513Tfs*15). This alteration is expected to result in loss of function by premature protein truncation or nonsense-mediated mRNA decay. Although biallelic loss of function of POLE has been associated with autosomal recessive POLE deficiency, haploinsufficiency of POLE has not been established as a mechanism of disease for POLE-related polymerase proofreading-associated polyposis (PPAP) and POLE-related CMMRD-like syndrome. Based on the supporting evidence, this variant is expected to be causative of POLE deficiency when present along with a second pathogenic variant on the other allele; however, its clinical significance for PPAP and POLE-related CMMRD-like syndrome is unclear.